The following is an entry in ClinVar:

NM_002519.3(NPAT):c.3098C>T (p.Ala1033Val)

Gene: NPAT (nuclear protein, coactivator of histone transcription; minus strand). Cytogenetic location: 11q22.3.
Variant type: single nucleotide variant.
Coding change: c.3098C>T on transcript NM_002519.3 (MANE Select); coding-DNA position 3098, C replaced by T.
Protein change: p.Ala1033Val; replaces alanine 1033 with valine.
Molecular consequence: missense variant.
Genome position (GRCh38, 1-based): chr11:108,161,988, G>A on the plus strand (C>T on the coding strand, the complement: NPAT is on the minus strand). VCF-style: chr11-108161988-G-A. GRCh37 (hg19) VCF-style: chr11-108032715-G-A.
Other names: c.3119C>T, p.Ala1040Val (NM_001321307.1); short protein forms A1033V, A1040V.
Identifiers: ClinVar variation 1727530 (VCV001727530.2), dbSNP rs2496697406, ClinGen allele CA382511530.

ClinVar aggregate classification (germline): Uncertain significance (1 of 4 stars; one submission).

Submission:

Ambry Genetics
Classification: Uncertain significance. Last evaluated: 2022-06-27. Review status: criteria provided, single submitter. Criteria: Ambry Variant Classification Scheme 2023. Collection method: clinical testing. Allele origin: germline.
Comment: The p.A1033V variant (also known as c.3098C>T), located in coding exon 17 of the NPAT gene, results from a C to T substitution at nucleotide position 3098. The alanine at codon 1033 is replaced by valine, an amino acid with similar properties. This amino acid position is conserved. In addition, this alteration is predicted to be tolerated by in silico analysis. Since supporting evidence is limited at this time, the clinical significance of this alteration remains unclear.